The following is an entry in ClinVar:

ClinVar aggregate classification (germline): Benign/Likely benign. Review status: criteria provided, multiple submitters, no conflicts (2 of 4 stars). 4 submissions from 4 submitters: Benign (1); Likely benign (3). Last evaluated 2026-05-21.

Conditions:
Hereditary cancer-predisposing syndrome. Also called: Hereditary neoplastic syndrome; Neoplastic Syndromes, Hereditary; Hereditary Cancer Syndrome; Tumor predisposition. Identifiers: Orphanet 140162, MedGen C0027672, MeSH D009386, MONDO:0015356.
Cardiovascular phenotype. Identifiers: MedGen CN230736.
Neurofibromatosis, type 1 (NF1). Also called: Peripheral type neurofibromatosis; Neurofibromatosis, type I; VON RECKLINGHAUSEN DISEASE; NEUROFIBROMATOSIS, TYPE I, SOMATIC. Identifiers: Orphanet 636, MedGen C0027831, MONDO:0018975, OMIM 162200. Disease mechanism: loss of function.

Allele frequency attached by ClinVar (database versions not stated): gnomAD exomes below 0.00001 and 0.00001.
gnomAD v4.1: 3 of 1,614,152 alleles (0.00019%); highest among the groups gnomAD compares: African/African-American, 0.0013%; no homozygotes.

Submissions (4):

Myriad Genetics, Inc.
Classification: Benign for Neurofibromatosis, type 1. Last evaluated: 2026-05-21. Review status: criteria provided, single submitter. Criteria: Myriad Autosomal Dominant, Autosomal Recessive and X-Linked Classification Criteria (2023). Collection method: clinical testing. Allele origin: unknown.
Comment: This variant is considered benign. This variant is a silent/synonymous amino acid change and it is not expected to impact splicing.

Labcorp Genetics (formerly Invitae), Labcorp
Classification: Likely benign for Neurofibromatosis, type 1. Last evaluated: 2025-09-16. Review status: criteria provided, single submitter. Criteria: Invitae Variant Classification Sherloc (09022015). Collection method: clinical testing. Allele origin: germline.

Genome-Nilou Lab
Classification: Likely benign for Neurofibromatosis, type 1. Last evaluated: 2022-03-15. Review status: criteria provided, single submitter. Criteria: ACMG Guidelines, 2015. Collection method: clinical testing. Allele origin: germline. Affected: no.

Ambry Genetics
Classification: Likely benign for Cardiovascular phenotype; Hereditary cancer-predisposing syndrome. Last evaluated: 2016-08-25. Review status: criteria provided, single submitter. Criteria: Ambry Variant Classification Scheme 2023. Collection method: clinical testing. Allele origin: germline.

NM_001042492.3(NF1):c.6591T>C (p.Phe2197=)

Gene: NF1 (neurofibromin 1; plus strand). Cytogenetic location: 17q11.2.
Variant type: single nucleotide variant.
Coding change: c.6591T>C on transcript NM_001042492.3 (MANE Select); coding-DNA position 6591, T replaced by C.
Protein change: p.Phe2197=; no amino-acid change (phenylalanine 2197 retained).
Molecular consequence: synonymous variant.
Genome position (GRCh38, 1-based): chr17:31,337,531, T>C. VCF-style: chr17-31337531-T-C. GRCh37 (hg19) VCF-style: chr17-29664549-T-C.
Other names: c.6528T>C, p.Phe2176= (NM_000267.4).
Identifiers: ClinVar variation 484011 (VCV000484011.13), dbSNP rs1298866989, ClinGen allele CA499234126.